The following is an entry in ClinVar:

NM_000492.4(CFTR):c.1247A>G (p.Asn416Ser)

Genes: CFTR (CF transmembrane conductance regulator; plus strand), CFTR-AS1 (CFTR antisense RNA 1; minus strand). Cytogenetic location: 7q31.2.
Variant type: single nucleotide variant.
Coding change: c.1247A>G on transcript NM_000492.4 (MANE Select); coding-DNA position 1247, A replaced by G.
Protein change: p.Asn416Ser; replaces asparagine 416 with serine.
Molecular consequence: missense variant.
Genome position (GRCh38, 1-based): chr7:117,548,678, A>G. VCF-style: chr7-117548678-A-G. GRCh37 (hg19) VCF-style: chr7-117188732-A-G.
Other names: short protein forms N416S.
Identifiers: ClinVar variation 455761 (VCV000455761.8), dbSNP rs777850419, ClinGen allele CA4450962.

ClinVar aggregate classification (germline): Uncertain significance. Review status: criteria provided, multiple submitters, no conflicts (2 of 4 stars). 6 submissions from 6 submitters: Uncertain significance (5). 1 of the submissions does not count toward it. Last evaluated 2025-05-13.

Conditions:
Cystic fibrosis (CF). Also called: MUCOVISCIDOSIS. Identifiers: Orphanet 586, MedGen C0010674, MONDO:0009061, OMIM 219700. Disease mechanism: loss of function.

Allele frequency attached by ClinVar (database versions not stated): gnomAD exomes 0.00002 and 0.00003; TOPMed 0.00002; ExAC 0.00003; gnomAD 0.00003 and 0.00004.
gnomAD v4.1: 53 of 1,613,314 alleles (0.0033%); highest among the groups gnomAD compares: Non-Finnish European, 0.0043%; no homozygotes.

Submissions (6):

ARUP Laboratories, Molecular Genetics and Genomics, ARUP Laboratories
Classification: Uncertain significance. Last evaluated: 2025-05-13. Review status: criteria provided, single submitter. Criteria: ARUP Molecular Germline Variant Investigation Process 2024. Collection method: clinical testing. Allele origin: germline.
Comment: The CFTR c.1247A>G; p.Asn416Ser variant (rs777850419, ClinVar Variation ID: 455761) is not reported in the medical literature in individuals affected with CFTR-related disorders, but has been reported in a healthy carrier screening cohort and a smoker cohort (Picci 2010, Saferali 2022). This variant is found in the non-Finnish European population with an allele frequency of 0.005% (6/127,086 alleles) in the Genome Aggregation Database (v2.1.1). Computational analyses are uncertain whether this variant is neutral or deleterious (REVEL: 0.325). Due to limited information, the clinical significance of this variant is uncertain at this time. References: Picci L et al. A 10-year large-scale cystic fibrosis carrier screening in the Italian population. J Cyst Fibros. 2010 Jan;9(1):29-35. PMID: 19897426. Saferali A et al. CFTR variants are associated with chronic bronchitis in smokers. Eur Respir J. 2022 Aug 10;60(2):2101994. PMID: 34996830.

Women's Health and Genetics/Laboratory Corporation of America, LabCorp
Classification: Uncertain significance. Last evaluated: 2023-07-31. Review status: criteria provided, single submitter. Criteria: LabCorp Variant Classification Summary - May 2015. Collection method: clinical testing. Allele origin: germline.
Comment: Variant summary: CFTR c.1247A>G (p.Asn416Ser) results in a conservative amino acid change located in the ATP-binding cassette domain 1 (IPR047082) of the encoded protein sequence. Four of five in-silico tools predict a benign effect of the variant on protein function. The variant allele was found at a frequency of 2e-05 in 247724 control chromosomes (gnomAD). The available data on variant occurrences in the general population are insufficient to allow any conclusion about variant significance. c.1247A>G has been reported in the literature in the heterozygous state in unaffected individuals either undergoing CF carrier screening or who were part of a cohort of lifetime smokers with no diagnoses of lung diseases other than COPD or asthma (Picci_2010, Saferali_2022). These reports do not provide unequivocal conclusions about association of the variant with Cystic Fibrosis. To our knowledge, no experimental evidence demonstrating an impact on protein function has been reported. The following publications have been ascertained in the context of this evaluation (PMID: 23261175, 19897426, 34996830). Three submitters have cited clinical-significance assessments for this variant to ClinVar after 2014. All submitters classified the variant as uncertain significance. Based on the evidence outlined above, the variant was classified as uncertain significance.

Labcorp Genetics (formerly Invitae), Labcorp
Classification: Uncertain significance for Cystic fibrosis. Last evaluated: 2022-09-25. Review status: criteria provided, single submitter. Criteria: Invitae Variant Classification Sherloc (09022015). Collection method: clinical testing. Allele origin: germline.
Comment: This sequence change replaces asparagine, which is neutral and polar, with serine, which is neutral and polar, at codon 416 of the CFTR protein (p.Asn416Ser). The frequency data for this variant in the population databases is considered unreliable, as metrics indicate poor data quality at this position in the gnomAD database. This variant has not been reported in the literature in individuals affected with CFTR-related conditions. ClinVar contains an entry for this variant (Variation ID: 455761). Advanced modeling of protein sequence and biophysical properties (such as structural, functional, and spatial information, amino acid conservation, physicochemical variation, residue mobility, and thermodynamic stability) performed at Invitae indicates that this missense variant is not expected to disrupt CFTR protein function. In summary, the available evidence is currently insufficient to determine the role of this variant in disease. Therefore, it has been classified as a Variant of Uncertain Significance.

Blueprint Genetics
Classification: Uncertain significance. Last evaluated: 2022-07-15. Review status: criteria provided, single submitter. Criteria: ACMG Guidelines, 2015. Collection method: clinical testing. Allele origin: germline.

Ambry Genetics
Classification: Uncertain significance for Cystic fibrosis. Last evaluated: 2021-04-01. Review status: criteria provided, single submitter. Criteria: Ambry Variant Classification Scheme 2023. Collection method: clinical testing. Allele origin: germline.
Comment: The p.N416S variant (also known as c.1247A>G), located in coding exon 10 of the CFTR gene, results from an A to G substitution at nucleotide position 1247. The asparagine at codon 416 is replaced by serine, an amino acid with highly similar properties. This alteration was identified in a general population cystic fibrosis carrier screening study of 57,999 subjects in Italy (Picci L et al. J Cyst Fibros, 2010 Jan;9:29-35). This amino acid position is not well conserved in available vertebrate species. In addition, this alteration is predicted to be tolerated by in silico analysis. Since supporting evidence is limited at this time, the clinical significance of this alteration remains unclear.

Natera, Inc.
Classification: Uncertain significance for Cystic Fibrosis. Last evaluated: 2020-09-16. Review status: no assertion criteria provided. Collection method: clinical testing. Allele origin: germline. Not counted in ClinVar's aggregate classification.

Literature cited by the submitters: PubMed 19897426 (cited by Women's Health and Genetics/Laboratory Corporation of America, LabCorp and Ambry Genetics); PubMed 23261175 (cited by Women's Health and Genetics/Laboratory Corporation of America, LabCorp and Ambry Genetics); PubMed 34996830 (cited by Women's Health and Genetics/Laboratory Corporation of America, LabCorp); PubMed 19710401 (cited by Ambry Genetics).